The following is an entry in ClinVar:

NM_004819.3(SYMPK):c.3663T>C (p.Ser1221=)

Gene: SYMPK (symplekin scaffold protein; minus strand). Cytogenetic location: 19q13.32.
Variant type: single nucleotide variant.
Coding change: c.3663T>C on transcript NM_004819.3 (MANE Select); coding-DNA position 3663, T replaced by C.
Protein change: p.Ser1221=; no amino-acid change (serine 1221 retained).
Molecular consequence: synonymous variant.
Genome position (GRCh38, 1-based): chr19:45,815,875, A>G on the plus strand (T>C on the coding strand, the complement: SYMPK is on the minus strand). VCF-style: chr19-45815875-A-G. GRCh37 (hg19) VCF-style: chr19-46319133-A-G.
Identifiers: ClinVar variation 2650131 (VCV002650131.24), dbSNP rs116247729, ClinGen allele CA9523192.

ClinVar aggregate classification (germline): Likely benign (1 of 4 stars; one submission).

Allele frequency attached by ClinVar (database versions not stated): ExAC 0.00053; ESP Exome Variant Server 0.00124; gnomAD 0.00170; 1000 Genomes Project 0.00220; TOPMed 0.00234; 1000 Genomes Project 30x 0.00281.
gnomAD v4.1: 469 of 1,611,518 alleles (0.029%); highest among the groups gnomAD compares: African/African-American, 0.42%; no homozygotes.

Submission:

CeGaT Center for Human Genetics Tuebingen
Classification: Likely benign. Last evaluated: 2023-03-01. Review status: criteria provided, single submitter. Criteria: CeGaT Center For Human Genetics Tuebingen Variant Classification Criteria Version 2. Collection method: clinical testing. Allele origin: germline. Affected: yes. Observed: 2 variant alleles.
Comment: SYMPK: BP4, BP7